The following is an entry in ClinVar:

ClinVar aggregate classification (germline): Uncertain significance (1 of 4 stars; one submission).

Submission:

Labcorp Genetics (formerly Invitae), Labcorp
Classification: Uncertain significance. Last evaluated: 2025-06-23. Review status: criteria provided, single submitter. Criteria: Invitae Variant Classification Sherloc (09022015). Collection method: clinical testing. Allele origin: germline.
Comment: This sequence change replaces histidine, which is basic and polar, with aspartic acid, which is acidic and polar, at codon 286 of the ERCC6L2 protein (p.His286Asp). This variant is not present in population databases (gnomAD no frequency). This variant has not been reported in the literature in individuals affected with ERCC6L2-related conditions. Experimental studies and prediction algorithms are not available or were not evaluated, and the functional significance of this variant is currently unknown. In summary, the available evidence is currently insufficient to determine the role of this variant in disease. Therefore, it has been classified as a Variant of Uncertain Significance.

NM_020207.7(ERCC6L2):c.823C>G (p.His275Asp)

Gene: ERCC6L2 (ERCC excision repair 6 like 2; plus strand). Cytogenetic location: 9q22.32.
Variant type: single nucleotide variant.
Coding change: c.823C>G on transcript NM_020207.7 (MANE Select); coding-DNA position 823, C replaced by G.
Protein change: p.His275Asp; replaces histidine 275 with aspartic acid.
Molecular consequence: missense variant. On other transcripts: non-coding transcript variant (1).
Genome position (GRCh38, 1-based): chr9:95,915,702, C>G. VCF-style: chr9-95915702-C-G. GRCh37 (hg19) VCF-style: chr9-98677984-C-G.
Other names: c.823C>G, p.His275Asp (NM_001010895.4, NM_001375291.1, NM_001375292.1 and 2 more transcripts); short protein forms H275D.
Identifiers: ClinVar variation 4712014 (VCV004712014.1).